The following is an entry in ClinVar:

NM_007294.4(BRCA1):c.4516G>T (p.Asp1506Tyr)

Gene: BRCA1 (BRCA1 DNA repair associated; minus strand). Cytogenetic location: 17q21.31.
Variant type: single nucleotide variant.
Coding change: c.4516G>T on transcript NM_007294.4 (MANE Select); coding-DNA position 4516, G replaced by T.
Protein change: p.Asp1506Tyr; replaces aspartic acid 1506 with tyrosine.
Molecular consequence: missense variant. On other transcripts: non-coding transcript variant (1).
Genome position (GRCh38, 1-based): chr17:43,074,490, C>A on the plus strand (G>T on the coding strand, the complement: BRCA1 is on the minus strand). VCF-style: chr17-43074490-C-A. GRCh37 (hg19) VCF-style: chr17-41226507-C-A.
Other names: c.4306G>T, p.Asp1436Tyr (NM_001407886.1, NM_001407887.1, NM_001407889.1 and 5 more transcripts); c.4303G>T, p.Asp1435Tyr (NM_001407894.1, NM_001407895.1, NM_001407896.1 and 12 more transcripts); c.4300G>T, p.Asp1434Tyr (NM_001407915.1, NM_001407916.1, NM_001407917.1 and 1 more transcripts); c.4393G>T, p.Asp1465Tyr (NM_001407919.1, NM_001407937.1, NM_001407938.1 and 6 more transcripts); c.4252G>T, p.Asp1418Tyr (NM_001407920.1, NM_001407921.1, NM_001407922.1 and 4 more transcripts); c.4582G>T, p.Asp1528Tyr (NM_001407581.1, NM_001407582.1); c.4579G>T, p.Asp1527Tyr (NM_001407583.1, NM_001407585.1, NM_001407587.1 and 1 more transcripts); c.4249G>T, p.Asp1417Tyr (NM_001407927.1, NM_001407928.1, NM_001407929.1 and 4 more transcripts); and 68 more; short protein forms D1337Y, D1378Y, D1379Y, D1394Y, D1417Y, D1434Y, D1436Y, D1458Y.
Identifiers: ClinVar variation 1741166 (VCV001741166.2), dbSNP rs2052614346, ClinGen allele CA10592493.

ClinVar aggregate classification (germline): Uncertain significance (1 of 4 stars; one submission).

Conditions:
Hereditary cancer-predisposing syndrome. Also called: Hereditary Cancer Syndrome; Hereditary neoplastic syndrome; Neoplastic Syndromes, Hereditary; Tumor predisposition. Identifiers: Orphanet 140162, MedGen C0027672, MeSH D009386, MONDO:0015356.

Submission:

Ambry Genetics
Classification: Uncertain significance for Hereditary cancer-predisposing syndrome. Last evaluated: 2021-09-22. Review status: criteria provided, single submitter. Criteria: Ambry Variant Classification Scheme 2023. Collection method: clinical testing. Allele origin: germline.
Comment: The p.D1506Y variant (also known as c.4516G>T), located in coding exon 13 of the BRCA1 gene, results from a G to T substitution at nucleotide position 4516. The aspartic acid at codon 1506 is replaced by tyrosine, an amino acid with highly dissimilar properties. This amino acid position is poorly conserved in available vertebrate species. In addition, the in silico prediction for this alteration is inconclusive. Since supporting evidence is limited at this time, the clinical significance of this alteration remains unclear.